The following is an entry in ClinVar:

NM_032638.5(GATA2):c.683C>T (p.Pro228Leu)

Gene: GATA2 (GATA binding protein 2; minus strand). Cytogenetic location: 3q21.3.
Variant type: single nucleotide variant.
Coding change: c.683C>T on transcript NM_032638.5 (MANE Select); coding-DNA position 683, C replaced by T.
Protein change: p.Pro228Leu; replaces proline 228 with leucine.
Molecular consequence: missense variant.
Genome position (GRCh38, 1-based): chr3:128,485,915, G>A on the plus strand (C>T on the coding strand, the complement: GATA2 is on the minus strand). VCF-style: chr3-128485915-G-A. GRCh37 (hg19) VCF-style: chr3-128204758-G-A.
Other names: c.683C>T, p.Pro228Leu (NM_001145661.2, NM_001145662.1); short protein forms P228L.
Identifiers: ClinVar variation 2010379 (VCV002010379.5), dbSNP rs2472930392, ClinGen allele CA354406252.

ClinVar aggregate classification (germline): Uncertain significance. Review status: criteria provided, multiple submitters, no conflicts (2 of 4 stars). 2 submissions from 2 submitters: Uncertain significance (2). Last evaluated 2024-12-30.

Conditions:
Deafness-lymphedema-leukemia syndrome. Also called: Emberger syndrome; Lymphedema, primary, with myelodysplasia. Identifiers: Orphanet 3226, MedGen C3279664, MONDO:0013540, OMIM 614038.
Monocytopenia with susceptibility to infections. Also called: MONOCYTOPENIA AND MYCOBACTERIAL INFECTION SYNDROME; MONOCYTOPENIA WITH SUSCEPTIBILITY TO MYCOBACTERIAL, FUNGAL, AND PAPILLOMAVIRUS INFECTIONS AND MYELODYSPLASIA; COMBINED IMMUNODEFICIENCY WITH SUSCEPTIBILITY TO MYCOBACTERIAL, VIRAL, AND FUNGAL INFECTIONS; Dendritic cell, monocyte, B lymphocyte, and natural killer lymphocyte deficiency; IMMUNODEFICIENCY 21; GATA2 DEFICIENCY. Identifiers: Orphanet 228423, MedGen C3280030, MONDO:0013607, OMIM 614172.
Inborn genetic diseases. Identifiers: MedGen C0950123, MeSH D030342.

Allele frequency attached by ClinVar (database versions not stated): gnomAD exomes below 0.00001.
gnomAD v4.1: 1 of 1,614,126 alleles (0.000062%); highest among the groups gnomAD compares: Non-Finnish European, 0.000085%; no homozygotes.

Submissions (2):

Ambry Genetics
Classification: Uncertain significance for Inborn genetic diseases. Last evaluated: 2024-12-30. Review status: criteria provided, single submitter. Criteria: Ambry Variant Classification Scheme 2023. Collection method: clinical testing. Allele origin: germline.
Comment: The p.P228L variant (also known as c.683C>T), located in coding exon 2 of the GATA2 gene, results from a C to T substitution at nucleotide position 683. The proline at codon 228 is replaced by leucine, an amino acid with similar properties. This amino acid position is well conserved in available vertebrate species. In addition, this alteration is predicted to be deleterious by in silico analysis. Based on the available evidence, the clinical significance of this variant remains unclear.

Labcorp Genetics (formerly Invitae), Labcorp
Classification: Uncertain significance for Monocytopenia with susceptibility to infections; Deafness-lymphedema-leukemia syndrome. Last evaluated: 2022-06-10. Review status: criteria provided, single submitter. Criteria: Invitae Variant Classification Sherloc (09022015). Collection method: clinical testing. Allele origin: germline.
Comment: In summary, the available evidence is currently insufficient to determine the role of this variant in disease. Therefore, it has been classified as a Variant of Uncertain Significance. Advanced modeling of protein sequence and biophysical properties (such as structural, functional, and spatial information, amino acid conservation, physicochemical variation, residue mobility, and thermodynamic stability) performed at Invitae indicates that this missense variant is not expected to disrupt GATA2 protein function. This variant has not been reported in the literature in individuals affected with GATA2-related conditions. This variant is not present in population databases (gnomAD no frequency). This sequence change replaces proline, which is neutral and non-polar, with leucine, which is neutral and non-polar, at codon 228 of the GATA2 protein (p.Pro228Leu).